The following is an entry in ClinVar:

GRCh37/hg19 1q25.3-32.3(chr1:181453460-213107248)x3

Genes: C1orf21 (chromosome 1 open reading frame 21; plus strand), C1orf53 (chromosome 1 open reading frame 53; plus strand), C1orf74 (chromosome 1 open reading frame 74; minus strand), C4BPA (complement component 4 binding protein alpha; plus strand), C4BPB (complement component 4 binding protein beta; plus strand) and 208 more. Cytogenetic location: 1q25.3-32.3.
Variant type: copy number gain.
Change: copy number 3 (three copies instead of two) of chr1:181,453,460-213,107,248 (31.65 Mb, GRCh37 coordinates, 1-based), cytogenetic band 1q25.3-32.3.
Identifiers: ClinVar variation 1809264 (VCV001809264.1).

ClinVar aggregate classification (germline): Pathogenic (1 of 4 stars; one submission).

Submission:

Quest Diagnostics Nichols Institute San Juan Capistrano
Classification: Pathogenic. Last evaluated: 2021-09-29. Review status: criteria provided, single submitter. Criteria: ACMG/ClinGen CNV Guidelines, 2019. Collection method: clinical testing. Allele origin: unknown.
Comment: The large copy number gain of 1q25.3q32.3 involves multiple genes, including 26 genes associated with autosomal dominant disorders. Distal duplications of 1q have been associated with partial 1q trisomy syndrome, a rare disorder characterized primarily by intellectual disability, short stature, craniofacial dysmorphism, and multiple other congenital anomalies. While pure distal 1q duplications have been reported, most cases are commonly associated with unbalanced chromosomal translocations, which makes it difficult to dissect genetic contributions and establish genotype-phenotype correlations (Sihombing 2019, Watanabe 2016, Morris 2016, Sifakis 2014, Utine 2007). In particular, duplications of the 1q25 to 1q31-32 have been associated with phenotypes ranging from mild intellectual disability and psychomotor delay to severely affected resulting in early demise (Pettenati 2001, Bartsch 2001, DuPont 1994). References: Bartsch et al., Fetal Diagn Ther. Sep-Oct 2001;16(5):265-73. PMID: 11509847. DuPont et al., Am J Med Genet. 1994 Mar 1;50(1):21-7. PMID: 8160748. Morris et al., Mol Syndromol. 2016 Feb;6(6):297-303. PMID: 27022331. Pettenati et al., Prenat Diagn. 2001 Jun;21(6):435-40. PMID: 11438944. Sifakis et al., Birth Defects Res A Clin Mol Teratol. 2014 Apr;100(4):284-93. PMID: 24677675. Sihombing et al., BMJ Case Rep. 2019 Aug 30;12(8):e230941. PMID: 31473642. Utine et al., Prenat Diagn. 2007 Sep;27(9):865-71. PMID: 17605151. Watanabe et al., Am J Med Genet A. 2016 Apr;170A(4):908-17. PMID: 26782913.